The following is an entry in ClinVar:

NC_000018.9:g.(?_43432412)_(43547225_?)dup

Gene: EPG5 (ectopic P-granules 5 autophagy tethering factor; minus strand). Cytogenetic location: 18q12.3-21.1.
Variant type: Duplication.
Identifiers: ClinVar variation 833068 (VCV000833068.3).

ClinVar aggregate classification (germline): Uncertain significance (1 of 4 stars; one submission).

Conditions:
Vici syndrome (VICIS). Identifiers: Orphanet 1493, MedGen C1855772, MONDO:0009452, OMIM 242840.

Submission:

Labcorp Genetics (formerly Invitae), Labcorp
Classification: Uncertain significance for Vici syndrome. Last evaluated: 2019-10-04. Review status: criteria provided, single submitter. Criteria: Invitae Variant Classification Sherloc (09022015). Collection method: clinical testing. Allele origin: germline.
Comment: This variant results in a copy number gain of the genomic region encompassing the full coding sequence of the EPG5 gene. The boundaries of this event are unknown as they extend beyond the assayed region for this gene and therefore may encompass additional genes. As the precise location of this event is unknown, it may be in tandem or it may be located elsewhere in the genome. This variant has not been reported in the literature in individuals with EPG5-related conditions. In summary, the available evidence is currently insufficient to determine the role of this variant in disease. Therefore, it has been classified as a Variant of Uncertain Significance.